The following is an entry in ClinVar:

NM_016058.5(TPRKB):c.277T>C (p.Leu93=)

Gene: TPRKB (TP53RK binding protein; minus strand). Cytogenetic location: 2p13.1.
Variant type: single nucleotide variant.
Coding change: c.277T>C on transcript NM_016058.5 (MANE Select); coding-DNA position 277, T replaced by C.
Protein change: p.Leu93=; no amino-acid change (leucine 93 retained).
Molecular consequence: synonymous variant.
Genome position (GRCh38, 1-based): chr2:73,730,724, A>G on the plus strand (T>C on the coding strand, the complement: TPRKB is on the minus strand). VCF-style: chr2-73730724-A-G. GRCh37 (hg19) VCF-style: chr2-73957851-A-G.
Other names: c.394T>C, p.Leu132= (NM_001330386.2, NM_001330387.2); c.277T>C, p.Leu93= (NM_001330388.2, NM_001330389.2); c.223T>C, p.Leu75= (NM_001330390.2); c.178T>C, p.Leu60= (NM_001330391.2, NM_001330392.2).
Identifiers: ClinVar variation 3047998 (VCV003047998.4), dbSNP rs202183143, ClinGen allele CA1716403.
Genomic context (GRCh38, chr2:73,730,724, plus strand): 5'-CCTCTTCAATGTAAACAATTAGAATTGAAGTGTCATTTGCTGAGATACCAAATTTTTTCA[A>G]AGCCTCTGAAATCTAAGAGAAAAAAAATGAAAAAAAAAACACAAGATCATTAACCATTGT-3'
Protein context (NP_057142.1, residues 83-103): LSPNNNISEA[Leu93=]KKFGISANDT

ClinVar aggregate classification (germline): Likely benign. Review status: criteria provided, single submitter (1 of 4 stars). 2 submissions from 2 submitters: Likely benign (1). 1 of the submissions does not count toward it. Last evaluated 2024-12-13.

Conditions:
TPRKB-related disorder. Also called: TPRKB-related condition.

Allele frequency attached by ClinVar (database versions not stated): TOPMed 0.00002; gnomAD 0.00003; gnomAD exomes 0.00009; ExAC 0.00012; 1000 Genomes Project 0.00020.
gnomAD v4.1: 121 of 1,520,212 alleles (0.008%); highest among the groups gnomAD compares: East Asian, 0.31%; no homozygotes.

Submissions (2):

Labcorp Genetics (formerly Invitae), Labcorp
Classification: Likely benign. Last evaluated: 2024-12-13. Review status: criteria provided, single submitter. Criteria: Invitae Variant Classification Sherloc (09022015). Collection method: clinical testing. Allele origin: germline.

PreventionGenetics, part of Exact Sciences
Classification: Likely benign for TPRKB-related condition. Last evaluated: 2019-12-16. Review status: no assertion criteria provided. Collection method: clinical testing. Allele origin: germline. Not counted in ClinVar's aggregate classification.
Comment: This variant is classified as likely benign based on ACMG/AMP sequence variant interpretation guidelines (Richards et al. 2015 PMID: 25741868, with internal and published modifications).